The following is an entry in ClinVar:

ClinVar aggregate classification (germline): Uncertain significance. Review status: criteria provided, multiple submitters, no conflicts (2 of 4 stars). 3 submissions from 3 submitters: Uncertain significance (2). 1 of the submissions does not count toward it. Last evaluated 2023-07-07.

Conditions:
Nemaline myopathy 2 (NEM2). Also called: Nemaline myopathy 2, autosomal recessive. Identifiers: MedGen C1850569, MONDO:0009725, OMIM 256030.

Allele frequency attached by ClinVar (database versions not stated): gnomAD exomes below 0.00001 and 0.00001; TOPMed 0.00002; gnomAD 0.00003.
gnomAD v4.1: 5 of 1,610,620 alleles (0.00031%); highest among the groups gnomAD compares: African/African-American, 0.0054%; no homozygotes.

Submissions (3):

Labcorp Genetics (formerly Invitae), Labcorp
Classification: Uncertain significance for Nemaline myopathy 2. Last evaluated: 2023-07-07. Review status: criteria provided, single submitter. Criteria: Invitae Variant Classification Sherloc (09022015). Collection method: clinical testing. Allele origin: germline.
Comment: In summary, the available evidence is currently insufficient to determine the role of this variant in disease. Therefore, it has been classified as a Variant of Uncertain Significance. Experimental studies and prediction algorithms are not available or were not evaluated, and the functional significance of this variant is currently unknown. ClinVar contains an entry for this variant (Variation ID: 432729). This variant has not been reported in the literature in individuals affected with NEB-related conditions. The frequency data for this variant in the population databases is considered unreliable, as metrics indicate poor data quality at this position in the gnomAD database. This sequence change replaces arginine, which is basic and polar, with glycine, which is neutral and non-polar, at codon 5701 of the NEB protein (p.Arg5701Gly).

GeneDx
Classification: Uncertain significance. Last evaluated: 2017-06-15. Review status: criteria provided, single submitter. Criteria: GeneDx Variant Classification (06012015). Collection method: clinical testing. Allele origin: germline. Affected: yes.
Comment: The R5701G variant has not been published as a pathogenic variant, nor has it been reported as a benign variant to our knowledge. The R5701G variant is not observed in large population cohorts (Lek et al., 2016; 1000 Genomes Consortium et al., 2015; Exome Variant Server). This variant is a non-conservative amino acid substitution, which is likely to impact secondary protein structure as these residues differ in polarity, charge, size and/or other properties. This substitution occurs at a position where amino acids with similar properties to Arginine are tolerated across species. In silico analysis predicts this variant is probably damaging to the protein structure/function. However, most reported pathogenic variants in the NEB gene are truncating/loss-of-function.

Natera, Inc.
Classification: Uncertain significance for Nemaline myopathy type 2. Last evaluated: 2019-11-11. Review status: no assertion criteria provided. Collection method: clinical testing. Allele origin: germline. Not counted in ClinVar's aggregate classification.

NM_001164508.2(NEB):c.17101A>G (p.Arg5701Gly)

Gene: NEB (nebulin; minus strand). Cytogenetic location: 2q23.3.
Variant type: single nucleotide variant.
Coding change: c.17101A>G on transcript NM_001164508.2 (MANE Select); coding-DNA position 17101, A replaced by G.
Protein change: p.Arg5701Gly; replaces arginine 5701 with glycine.
Molecular consequence: missense variant.
Genome position (GRCh38, 1-based): chr2:151,570,514, T>C on the plus strand (A>G on the coding strand, the complement: NEB is on the minus strand). VCF-style: chr2-151570514-T-C. GRCh37 (hg19) VCF-style: chr2-152427028-T-C.
Other names: c.17101A>G, p.Arg5701Gly (NM_001164507.2, NM_001271208.2); c.11998A>G, p.Arg4000Gly (NM_004543.5); short protein forms R5701G, R4000G.
Identifiers: ClinVar variation 432729 (VCV000432729.13), dbSNP rs1332674015, ClinGen allele CA348808612.